The following is an entry in ClinVar:

ClinVar aggregate classification (germline): Uncertain significance. Review status: criteria provided, multiple submitters, no conflicts (2 of 4 stars). 2 submissions from 2 submitters: Uncertain significance (2). Last evaluated 2024-07-14.

Conditions:
Inborn genetic diseases. Identifiers: MedGen C0950123, MeSH D030342.
Congenital sideroblastic anemia-B-cell immunodeficiency-periodic fever-developmental delay syndrome. Also called: Sideroblastic anemia with B-cell immunodeficiency, periodic fevers, and developmental delay. Identifiers: Orphanet 369861, MedGen C4015172, MONDO:0014487, OMIM 616084.

Allele frequency attached by ClinVar (database versions not stated): gnomAD exomes 0.00002 and 0.00006; ExAC 0.00005; gnomAD 0.00010 and 0.00011; TOPMed 0.00013; ESP Exome Variant Server 0.00015.
gnomAD v4.1: 49 of 1,583,706 alleles (0.0031%); highest among the groups gnomAD compares: African/African-American, 0.053%; no homozygotes.

Submissions (2):

Ambry Genetics
Classification: Uncertain significance for Inborn genetic diseases. Last evaluated: 2024-07-14. Review status: criteria provided, single submitter. Criteria: Ambry Variant Classification Scheme 2023. Collection method: clinical testing. Allele origin: germline.

Labcorp Genetics (formerly Invitae), Labcorp
Classification: Uncertain significance for Congenital sideroblastic anemia-B-cell immunodeficiency-periodic fever-developmental delay syndrome. Last evaluated: 2022-11-01. Review status: criteria provided, single submitter. Criteria: Invitae Variant Classification Sherloc (09022015). Collection method: clinical testing. Allele origin: germline.
Comment: This sequence change replaces phenylalanine, which is neutral and non-polar, with serine, which is neutral and polar, at codon 167 of the TRNT1 protein (p.Phe167Ser). This variant is present in population databases (rs145784140, gnomAD 0.05%). This variant has not been reported in the literature in individuals affected with TRNT1-related conditions. ClinVar contains an entry for this variant (Variation ID: 1504700). Advanced modeling of protein sequence and biophysical properties (such as structural, functional, and spatial information, amino acid conservation, physicochemical variation, residue mobility, and thermodynamic stability) performed at Invitae indicates that this missense variant is not expected to disrupt TRNT1 protein function. In summary, the available evidence is currently insufficient to determine the role of this variant in disease. Therefore, it has been classified as a Variant of Uncertain Significance.

NM_182916.3(TRNT1):c.500T>C (p.Phe167Ser)

Gene: TRNT1 (tRNA nucleotidyl transferase 1; plus strand). Cytogenetic location: 3p26.2.
Variant type: single nucleotide variant.
Coding change: c.500T>C on transcript NM_182916.3 (MANE Select); coding-DNA position 500, T replaced by C.
Protein change: p.Phe167Ser; replaces phenylalanine 167 with serine.
Molecular consequence: missense variant. On other transcripts: non-coding transcript variant (8).
Genome position (GRCh38, 1-based): chr3:3,144,602, T>C. VCF-style: chr3-3144602-T-C. GRCh37 (hg19) VCF-style: chr3-3186286-T-C.
Other names: c.500T>C, p.Phe167Ser (NM_001302946.2, NM_001367321.1, NM_001367322.1 and 1 more transcripts); c.500T>C (NM_182916.2); short protein forms F167S.
Identifiers: ClinVar variation 1504700 (VCV001504700.4), dbSNP rs145784140, ClinGen allele CA2228700.